The following is an entry in ClinVar:

ClinVar aggregate classification (germline): Benign/Likely benign. Review status: criteria provided, multiple submitters, no conflicts (2 of 4 stars). 8 submissions from 8 submitters: Benign (1); Likely benign (7). Last evaluated 2026-01-04.

Conditions:
ACTN2-related disorder. Also called: ACTN2 related condition; ACTN2-related disorders.
Cardiovascular phenotype. Identifiers: MedGen CN230736.
Dilated cardiomyopathy 1AA (CMD1AA). Also called: Cardiomyopathy, dilated, 1AA, with or without LVNC; CARDIOMYOPATHY, DILATED, 1AA, WITH OR WITHOUT LEFT VENTRICULAR NONCOMPACTION; CARDIOMYOPATHY, FAMILIAL HYPERTROPHIC, 23, WITH OR WITHOUT LEFT VENTRICULAR NONCOMPACTION. Identifiers: Orphanet 154, MedGen C2677338, MONDO:0012808, OMIM 612158.
Primary familial hypertrophic cardiomyopathy (HCM). Identifiers: Orphanet 99739, MedGen C0949658, MeSH D024741, MONDO:0024573. Inheritance: Various modes of inheritance.

Allele frequency attached by ClinVar (database versions not stated): ESP Exome Variant Server 0.00015; gnomAD 0.00015 and 0.00016; TOPMed 0.00017; 1000 Genomes Project 0.00020; 1000 Genomes Project 30x 0.00031.
gnomAD v4.1: 49 of 1,614,118 alleles (0.003%); highest among the groups gnomAD compares: African/African-American, 0.028%; no homozygotes.

Submissions (8):

Labcorp Genetics (formerly Invitae), Labcorp
Classification: Likely benign for Primary familial hypertrophic cardiomyopathy; Dilated cardiomyopathy 1AA. Last evaluated: 2026-01-04. Review status: criteria provided, single submitter. Criteria: Invitae Variant Classification Sherloc (09022015). Collection method: clinical testing. Allele origin: germline.

PreventionGenetics, part of Exact Sciences
Classification: Likely benign for ACTN2-related condition. Last evaluated: 2025-08-05. Review status: criteria provided, single submitter. Criteria: ACMG Guidelines, 2015. Collection method: clinical testing. Allele origin: germline.
Comment: This variant is classified as likely benign based on ACMG/AMP sequence variant interpretation guidelines (Richards et al. 2015 PMID: 25741868, with internal and published modifications).

Molecular Diagnostic Laboratory for Inherited Cardiovascular Disease, Montreal Heart Institute
Classification: Likely benign. Last evaluated: 2025-04-09. Review status: criteria provided, single submitter. Criteria: ACMG Guidelines, 2015. Collection method: clinical testing. Allele origin: germline. Affected: no.
Comment: BS1;BP7

Women's Health and Genetics/Laboratory Corporation of America, LabCorp
Classification: Benign. Last evaluated: 2024-10-06. Review status: criteria provided, single submitter. Criteria: LabCorp Variant Classification Summary - May 2015. Collection method: clinical testing. Allele origin: germline.

Blueprint Genetics
Classification: Likely benign. Last evaluated: 2023-07-06. Review status: criteria provided, single submitter. Criteria: ACMG Guidelines, 2015. Collection method: clinical testing. Allele origin: germline.

GeneDx
Classification: Likely benign. Last evaluated: 2021-04-28. Review status: criteria provided, single submitter. Criteria: GeneDx Variant Classification Process June 2021. Collection method: clinical testing. Allele origin: germline. Affected: yes.

Ambry Genetics
Classification: Likely benign for Cardiovascular phenotype. Last evaluated: 2020-11-19. Review status: criteria provided, single submitter. Criteria: Ambry Variant Classification Scheme 2023. Collection method: clinical testing. Allele origin: germline.

Laboratory for Molecular Medicine, Mass General Brigham Personalized Medicine
Classification: Likely benign. Last evaluated: 2011-01-20. Review status: criteria provided, single submitter. Criteria: LMM Criteria. Collection method: clinical testing. Allele origin: germline. Observed: 1 variant allele.
Comment: Ile62Ile in exon 2 of ACTN2: This variant is not expected to have clinical sign ificance because it does not alter an amino acid residue, is not located near a splice junction. Furthermore, it has been detected in 1/70 Black chromosomes (d bSNP rs34403480).

Literature cited by the submitters: PubMed 24503780 (cited by Ambry Genetics).

NM_001103.4(ACTN2):c.186C>T (p.Ile62=)

Gene: ACTN2 (actinin alpha 2; plus strand). Cytogenetic location: 1q43.
Variant type: single nucleotide variant.
Coding change: c.186C>T on transcript NM_001103.4 (MANE Select); coding-DNA position 186, C replaced by T.
Protein change: p.Ile62=; no amino-acid change (isoleucine 62 retained).
Molecular consequence: synonymous variant. On other transcripts: 5 prime UTR variant (1).
Genome position (GRCh38, 1-based): chr1:236,717,917, C>T. VCF-style: chr1-236717917-C-T. GRCh37 (hg19) VCF-style: chr1-236881217-C-T.
Other names: c.186C>T, p.Ile62= (NM_001278343.2); c.-636C>T (NM_001278344.2).
Identifiers: ClinVar variation 43918 (VCV000043918.23), dbSNP rs34403480, ClinGen allele CA133156.